The following is an entry in ClinVar:

NM_001256545.2(MEGF10):c.1009G>A (p.Gly337Ser)

Gene: MEGF10 (multiple EGF like domains 10; plus strand). Cytogenetic location: 5q23.2.
Variant type: single nucleotide variant.
Coding change: c.1009G>A on transcript NM_001256545.2 (MANE Select); coding-DNA position 1009, G replaced by A.
Protein change: p.Gly337Ser; replaces glycine 337 with serine.
Molecular consequence: missense variant.
Genome position (GRCh38, 1-based): chr5:127,410,480, G>A. VCF-style: chr5-127410480-G-A. GRCh37 (hg19) VCF-style: chr5-126746172-G-A.
Other names: c.1009G>A, p.Gly337Ser (NM_001308119.2, NM_001308121.2, NM_032446.3); short protein forms G337S.
Identifiers: ClinVar variation 847103 (VCV000847103.9), dbSNP rs779799530, ClinGen allele CA3391456.
Genomic context (GRCh38, chr5:127,410,480, plus strand): 5'-GGCGTTCTCTGTGCTGAGACCTGCCAGTGTGTCAACGGAGGGAAGTGTTACCACGTGAGC[G>A]GCGCATGCCTCTGTGAAGCAGGCTTTGCTGGCGAGCGCTGCGAAGCACGCCTGTGTCCTG-3'
Protein context (NP_001243474.1, residues 327-347): VNGGKCYHVS[Gly337Ser]ACLCEAGFAG

ClinVar aggregate classification (germline): Uncertain significance. Review status: criteria provided, multiple submitters, no conflicts (2 of 4 stars). 2 submissions from 2 submitters: Uncertain significance (2). Last evaluated 2025-03-03.

Conditions:
Inborn genetic diseases. Identifiers: MedGen C0950123, MeSH D030342.
MEGF10-related myopathy (CMYO10A). Also called: Congenital myopathy 10A, severe variant. Identifiers: Orphanet 439212, MedGen C3280679, MONDO:0013731, OMIM 614399.

Allele frequency attached by ClinVar (database versions not stated): ExAC 0.00001; gnomAD exomes 0.00003; gnomAD 0.00006; TOPMed 0.00006.
gnomAD v4.1: 34 of 1,614,072 alleles (0.0021%); highest among the groups gnomAD compares: African/African-American, 0.024%; no homozygotes.

Submissions (2):

Ambry Genetics
Classification: Uncertain significance for Inborn genetic diseases. Last evaluated: 2025-03-03. Review status: criteria provided, single submitter. Criteria: Ambry Variant Classification Scheme 2023. Collection method: clinical testing. Allele origin: germline.

Labcorp Genetics (formerly Invitae), Labcorp
Classification: Uncertain significance for MEGF10-related myopathy. Last evaluated: 2022-09-06. Review status: criteria provided, single submitter. Criteria: Invitae Variant Classification Sherloc (09022015). Collection method: clinical testing. Allele origin: germline.
Comment: In summary, the available evidence is currently insufficient to determine the role of this variant in disease. Therefore, it has been classified as a Variant of Uncertain Significance. Algorithms developed to predict the effect of missense changes on protein structure and function (SIFT, PolyPhen-2, Align-GVGD) all suggest that this variant is likely to be disruptive. ClinVar contains an entry for this variant (Variation ID: 847103). This variant has not been reported in the literature in individuals affected with MEGF10-related conditions. This variant is present in population databases (rs779799530, gnomAD 0.01%). This sequence change replaces glycine, which is neutral and non-polar, with serine, which is neutral and polar, at codon 337 of the MEGF10 protein (p.Gly337Ser).